The following is an entry in ClinVar:

ClinVar aggregate classification (germline): Conflicting classifications of pathogenicity. Review status: criteria provided, conflicting classifications (1 of 4 stars). 2 submissions from 2 submitters: Uncertain significance (1); Likely benign (1). Last evaluated 2025-04-28.

Conditions:
Hereditary cancer-predisposing syndrome. Also called: Hereditary neoplastic syndrome; Tumor predisposition; Hereditary Cancer Syndrome; Neoplastic Syndromes, Hereditary. Identifiers: Orphanet 140162, MedGen C0027672, MeSH D009386, MONDO:0015356.
Hereditary breast ovarian cancer syndrome. Also called: Hereditary breast and ovarian cancer syndrome (HBOC); Hereditary breast and ovarian cancer; Hereditary breast and/or ovarian cancer syndrome; BRCA1- and BRCA2-Associated Hereditary Breast and Ovarian Cancer; Hereditary breast and ovarian cancer syndrome; Breast and ovarian cancer. Identifiers: Orphanet 145, MedGen C0677776, MeSH D061325, MONDO:0003582. Disease mechanism: loss of function.

Submissions (2):

Labcorp Genetics (formerly Invitae), Labcorp
Classification: Uncertain significance for Hereditary breast ovarian cancer syndrome. Last evaluated: 2025-04-28. Review status: criteria provided, single submitter. Criteria: Invitae Variant Classification Sherloc (09022015). Collection method: clinical testing. Allele origin: germline.
Comment: This sequence change replaces isoleucine, which is neutral and non-polar, with valine, which is neutral and non-polar, at codon 1017 of the BRCA2 protein (p.Ile1017Val). This variant is not present in population databases (gnomAD no frequency). This variant has not been reported in the literature in individuals affected with BRCA2-related conditions. ClinVar contains an entry for this variant (Variation ID: 1949492). Invitae Evidence Modeling of protein sequence and biophysical properties (such as structural, functional, and spatial information, amino acid conservation, physicochemical variation, residue mobility, and thermodynamic stability) indicates that this missense variant is not expected to disrupt BRCA2 protein function with a negative predictive value of 95%. In summary, the available evidence is currently insufficient to determine the role of this variant in disease. Therefore, it has been classified as a Variant of Uncertain Significance.

University of Washington Department of Laboratory Medicine, University of Washington
Classification: Likely benign for Hereditary cancer-predisposing syndrome. Last evaluated: 2023-03-23. Review status: criteria provided, single submitter. Criteria: Dines et al. (Genet Med. 2020). Collection method: curation. Allele origin: germline.
Comment: Missense variant in a coldspot region where missense variants are very unlikely to be pathogenic (PMID:31911673).

BRCA2 exon 11 coldspot. Reclassification based on statistical prior probability.

NM_000059.4(BRCA2):c.3049A>G (p.Ile1017Val)

Gene: BRCA2 (BRCA2 DNA repair associated; plus strand). Cytogenetic location: 13q13.1.
Variant type: single nucleotide variant.
Coding change: c.3049A>G on transcript NM_000059.4 (MANE Select); coding-DNA position 3049, A replaced by G.
Protein change: p.Ile1017Val; replaces isoleucine 1017 with valine.
Molecular consequence: missense variant.
Genome position (GRCh38, 1-based): chr13:32,337,404, A>G. VCF-style: chr13-32337404-A-G. GRCh37 (hg19) VCF-style: chr13-32911541-A-G.
Other names: c.3049A>G, p.Ile1017Val (NM_001406719.1, NM_001406720.1); short protein forms I1017V.
Identifiers: ClinVar variation 1949492 (VCV001949492.7), dbSNP rs2072470931, ClinGen allele CA387775031.